The following is an entry in ClinVar:

NM_006329.4(FBLN5):c.1190C>T (p.Thr397Met)

Gene: FBLN5 (fibulin 5; minus strand). Cytogenetic location: 14q32.12.
Variant type: single nucleotide variant.
Coding change: c.1190C>T on transcript NM_006329.4 (MANE Select); coding-DNA position 1190, C replaced by T.
Protein change: p.Thr397Met; replaces threonine 397 with methionine.
Molecular consequence: missense variant.
Genome position (GRCh38, 1-based): chr14:91,870,381, G>A on the plus strand (C>T on the coding strand, the complement: FBLN5 is on the minus strand). VCF-style: chr14-91870381-G-A. GRCh37 (hg19) VCF-style: chr14-92336725-G-A.
Other names: c.1313C>T, p.Thr438Met (NM_001384158.1); c.1241C>T, p.Thr414Met (NM_001384159.1); c.1369C>T, p.Arg457Trp (NM_001384160.1); c.1201C>T, p.Arg401Trp (NM_001384161.1); c.1022C>T, p.Thr341Met (NM_001384162.1); short protein forms T341M, T414M, T397M, T438M, R401W, R457W.
Identifiers: ClinVar variation 2160053 (VCV002160053.6), dbSNP rs138577384, ClinGen allele CA7312584.

ClinVar aggregate classification (germline): Uncertain significance. Review status: criteria provided, multiple submitters, no conflicts (2 of 4 stars). 3 submissions from 3 submitters: Uncertain significance (3). Last evaluated 2026-09-01.

Allele frequency attached by ClinVar (database versions not stated): gnomAD 0.00001; TOPMed 0.00001; gnomAD exomes 0.00002; ExAC 0.00006; ESP Exome Variant Server 0.00015; 1000 Genomes Project 30x 0.00047.
gnomAD v4.1: 29 of 1,613,732 alleles (0.0018%); highest among the groups gnomAD compares: Admixed American, 0.0033%; no homozygotes.

Submissions (3):

CeGaT Center for Human Genetics Tuebingen
Classification: Uncertain significance. Last evaluated: 2026-09-01. Review status: criteria provided, single submitter. Criteria: CeGaT Center For Human Genetics Tuebingen Variant Classification Criteria Version 2. Collection method: clinical testing. Allele origin: germline. Affected: yes. Observed: 1 variant allele.
Comment: FBLN5: PM2

Labcorp Genetics (formerly Invitae), Labcorp
Classification: Uncertain significance. Last evaluated: 2025-06-14. Review status: criteria provided, single submitter. Criteria: Invitae Variant Classification Sherloc (09022015). Collection method: clinical testing. Allele origin: germline.
Comment: This sequence change replaces threonine, which is neutral and polar, with methionine, which is neutral and non-polar, at codon 397 of the FBLN5 protein (p.Thr397Met). This variant is present in population databases (rs138577384, gnomAD 0.01%). This variant has not been reported in the literature in individuals affected with FBLN5-related conditions. ClinVar contains an entry for this variant (Variation ID: 2160053). Invitae Evidence Modeling of protein sequence and biophysical properties (such as structural, functional, and spatial information, amino acid conservation, physicochemical variation, residue mobility, and thermodynamic stability) indicates that this missense variant is not expected to disrupt FBLN5 protein function with a negative predictive value of 80%. In summary, the available evidence is currently insufficient to determine the role of this variant in disease. Therefore, it has been classified as a Variant of Uncertain Significance.

GeneDx
Classification: Uncertain significance. Last evaluated: 2024-12-26. Review status: criteria provided, single submitter. Criteria: GeneDx Variant Classification Process June 2021. Collection method: clinical testing. Allele origin: germline. Affected: yes.
Comment: In silico analysis indicates that this missense variant does not alter protein structure/function; Has not been previously published as pathogenic or benign to our knowledge